The following is an entry in ClinVar:

NM_001040108.2(MLH3):c.1975G>C (p.Ala659Pro)

Gene: MLH3 (mutL homolog 3; minus strand). Cytogenetic location: 14q24.3.
Variant type: single nucleotide variant.
Coding change: c.1975G>C on transcript NM_001040108.2 (MANE Select); coding-DNA position 1975, G replaced by C.
Protein change: p.Ala659Pro; replaces alanine 659 with proline.
Molecular consequence: missense variant.
Genome position (GRCh38, 1-based): chr14:75,047,681, C>G on the plus strand (G>C on the coding strand, the complement: MLH3 is on the minus strand). VCF-style: chr14-75047681-C-G. GRCh37 (hg19) VCF-style: chr14-75514384-C-G.
Other names: c.1975G>C, p.Ala659Pro (NM_014381.3); short protein forms A659P.
Identifiers: ClinVar variation 4108667 (VCV004108667.1).

ClinVar aggregate classification (germline): Uncertain significance (1 of 4 stars; one submission).

Submission:

Ambry Genetics
Classification: Uncertain significance. Last evaluated: 2025-08-20. Review status: criteria provided, single submitter. Criteria: Ambry Variant Classification Scheme 2023. Collection method: clinical testing. Allele origin: germline.
Comment: The p.A659P variant (also known as c.1975G>C), located in coding exon 1 of the MLH3 gene, results from a G to C substitution at nucleotide position 1975. The alanine at codon 659 is replaced by proline, an amino acid with highly similar properties. This amino acid position is conserved. In addition, this alteration is predicted to be tolerated by in silico analysis. Based on the available evidence, the clinical significance of this variant remains unclear.